The following is an entry in ClinVar:

NM_001844.5(COL2A1):c.3329G>C (p.Gly1110Ala)

Gene: COL2A1 (collagen type II alpha 1 chain; minus strand). Cytogenetic location: 12q13.11.
Variant type: single nucleotide variant.
Coding change: c.3329G>C on transcript NM_001844.5 (MANE Select); coding-DNA position 3329, G replaced by C.
Protein change: p.Gly1110Ala; replaces glycine 1110 with alanine.
Molecular consequence: missense variant.
Genome position (GRCh38, 1-based): chr12:47,976,918, C>G on the plus strand (G>C on the coding strand, the complement: COL2A1 is on the minus strand). VCF-style: chr12-47976918-C-G. GRCh37 (hg19) VCF-style: chr12-48370701-C-G.
Other names: c.3329G>C (NM_001844.4); c.3122G>C, p.Gly1041Ala (NM_033150.3); short protein forms G1110A, G1041A.
Identifiers: ClinVar variation 1484270 (VCV001484270.9), dbSNP rs2136518845, ClinGen allele CA384539248.

ClinVar aggregate classification (germline): Pathogenic/Likely pathogenic. Review status: criteria provided, multiple submitters, no conflicts (2 of 4 stars). 2 submissions from 2 submitters: Pathogenic (1); Likely pathogenic (1). Last evaluated 2026-01-25.

Submissions (2):

GeneDx
Classification: Pathogenic. Last evaluated: 2026-01-25. Review status: criteria provided, single submitter. Criteria: GeneDx Variant Classification Process June 2021. Collection method: clinical testing. Allele origin: germline.
Comment: Reported in a patient with a skeletal disorder in published literature; however, additional clinical and segregation information was not provided (PMID: 38702915); Occurs in the triple helical domain and replaces a glycine in a canonical Gly-X-Y repeat; missense substitution of a canonical glycine residue is expected to disrupt normal protein folding and function, and this is an established mechanism of disease (PMID: 34007986); Not observed at significant frequency in large population cohorts (gnomAD); In silico analysis supports that this missense variant has a deleterious effect on protein structure/function; Also known as G910A; This variant is associated with the following publications: (PMID: 38702915, 34007986)

Labcorp Genetics (formerly Invitae), Labcorp
Classification: Likely pathogenic. Last evaluated: 2022-06-20. Review status: criteria provided, single submitter. Criteria: Invitae Variant Classification Sherloc (09022015). Collection method: clinical testing. Allele origin: germline.
Comment: This sequence change replaces glycine, which is neutral and non-polar, with alanine, which is neutral and non-polar, at codon 1110 of the COL2A1 protein (p.Gly1110Ala). In summary, the currently available evidence indicates that the variant is pathogenic, but additional data are needed to prove that conclusively. Therefore, this variant has been classified as Likely Pathogenic. This variant disrupts the p.Gly1110 amino acid residue in COL2A1. Other variant(s) that disrupt this residue have been observed in individuals with COL2A1-related conditions (PMID: 9101290, 26626311), which suggests that this may be a clinically significant amino acid residue. This variant disrupts the triple helix domain of COL2A1. Glycine residues within the Gly-Xaa-Yaa repeats of the triple helix domain are required for the structure and stability of fibrillar collagens (PMID: 7695699, 8218237, 19344236). In COL2A1, variants affecting these glycine residues are significantly enriched in individuals with disease (PMID: 9016532, 17078022) compared to the general population (ExAC). Algorithms developed to predict the effect of missense changes on protein structure and function are either unavailable or do not agree on the potential impact of this missense change (SIFT: "Deleterious"; PolyPhen-2: "Not Available"; Align-GVGD: "Class C55"). This variant has not been reported in the literature in individuals affected with COL2A1-related conditions. This variant is not present in population databases (gnomAD no frequency).

Literature cited by the submitters: PubMed 9101290 (cited by Labcorp Genetics (formerly Invitae), Labcorp); PubMed 26626311 (cited by Labcorp Genetics (formerly Invitae), Labcorp); PubMed 7695699 (cited by Labcorp Genetics (formerly Invitae), Labcorp); PubMed 8218237 (cited by Labcorp Genetics (formerly Invitae), Labcorp); PubMed 19344236 (cited by Labcorp Genetics (formerly Invitae), Labcorp); PubMed 9016532 (cited by Labcorp Genetics (formerly Invitae), Labcorp); PubMed 17078022 (cited by Labcorp Genetics (formerly Invitae), Labcorp).